The following is an entry in ClinVar:

ClinVar aggregate classification (germline): Benign. Review status: criteria provided, multiple submitters, no conflicts (2 of 4 stars). 4 submissions from 4 submitters: Benign (3). 1 of the submissions does not count toward it. Last evaluated 2025-09-17.

Conditions:
IBA57-related disorder. Also called: IBA57-related condition.
Multiple mitochondrial dysfunctions syndrome 3 (MMDS3). Identifiers: Orphanet 363424, MedGen C3809165, MONDO:0014132, OMIM 615330.
Hereditary spastic paraplegia 74. Also called: Spastic paraplegia 74, autosomal recessive. Identifiers: Orphanet 468661, MedGen C5568837, MONDO:0014644, OMIM 616451.

Allele frequency attached by ClinVar (database versions not stated): gnomAD 0.00002 and 0.00054; TOPMed 0.00003; 1000 Genomes Project 30x 0.00422; 1000 Genomes Project 0.00439.
gnomAD v4.1: 1,273 of 1,538,208 alleles (0.083%); highest among the groups gnomAD compares: South Asian, 1.4%; 21 homozygotes.

Submissions (4):

Labcorp Genetics (formerly Invitae), Labcorp
Classification: Benign for Multiple mitochondrial dysfunctions syndrome 3; Hereditary spastic paraplegia 74. Last evaluated: 2025-09-17. Review status: criteria provided, single submitter. Criteria: Invitae Variant Classification Sherloc (09022015). Collection method: clinical testing. Allele origin: germline.

CeGaT Center for Human Genetics Tuebingen
Classification: Benign. Last evaluated: 2025-03-01. Review status: criteria provided, single submitter. Criteria: CeGaT Center For Human Genetics Tuebingen Variant Classification Criteria Version 2. Collection method: clinical testing. Allele origin: germline. Affected: yes. Observed: 1 variant allele.
Comment: IBA57: BP4, BS1, BS2

GeneDx
Classification: Benign. Last evaluated: 2018-10-24. Review status: criteria provided, single submitter. Criteria: GeneDx Variant Classification Process June 2021. Collection method: clinical testing. Allele origin: germline. Affected: yes.

PreventionGenetics, part of Exact Sciences
Classification: Benign for IBA57-related condition. Last evaluated: 2020-01-07. Review status: no assertion criteria provided. Collection method: clinical testing. Allele origin: germline. Not counted in ClinVar's aggregate classification.
Comment: This variant is classified as benign based on ACMG/AMP sequence variant interpretation guidelines (Richards et al. 2015 PMID: 25741868, with internal and published modifications).

NM_001010867.4(IBA57):c.342-7C>A

Gene: IBA57 (iron-sulfur cluster assembly factor IBA57; plus strand). Cytogenetic location: 1q42.13.
Variant type: single nucleotide variant.
Coding change: c.342-7C>A on transcript NM_001010867.4 (MANE Select); 7 bases into the intron before coding-DNA position 342, C replaced by A.
Molecular consequence: intron variant.
Genome position (GRCh38, 1-based): chr1:228,174,685, C>A. VCF-style: chr1-228174685-C-A. GRCh37 (hg19) VCF-style: chr1-228362386-C-A.
Other names: c.-238-7C>A (NM_001310327.2).
Identifiers: ClinVar variation 705605 (VCV000705605.22), dbSNP rs368007738, ClinGen allele CA1431129.